The following is an entry in ClinVar:

NM_003070.5(SMARCA2):c.923C>G (p.Pro308Arg)

Gene: SMARCA2 (SWI/SNF related BAF chromatin remodeling complex subunit ATPase 2; plus strand). Cytogenetic location: 9p24.3.
Variant type: single nucleotide variant.
Coding change: c.923C>G on transcript NM_003070.5 (MANE Select); coding-DNA position 923, C replaced by G.
Protein change: p.Pro308Arg; replaces proline 308 with arginine.
Molecular consequence: missense variant.
Genome position (GRCh38, 1-based): chr9:2,047,361, C>G. VCF-style: chr9-2047361-C-G. GRCh37 (hg19) VCF-style: chr9-2047361-C-G.
Other names: c.923C>G, p.Pro308Arg (NM_001289396.2, NM_001289397.2, NM_139045.4); c.923C>G (NM_003070.3); short protein forms P308R.
Identifiers: ClinVar variation 2189148 (VCV002189148.5), dbSNP rs1395862678, ClinGen allele CA372780958.

ClinVar aggregate classification (germline): Uncertain significance. Review status: criteria provided, multiple submitters, no conflicts (2 of 4 stars). 2 submissions from 2 submitters: Uncertain significance (2). Last evaluated 2024-11-09.

Conditions:
Inborn genetic diseases. Identifiers: MedGen C0950123, MeSH D030342.

gnomAD v4.1: 8 of 1,501,658 alleles (0.00053%); highest among the groups gnomAD compares: Non-Finnish European, 0.00071%; no homozygotes.

Submissions (2):

Ambry Genetics
Classification: Uncertain significance for Inborn genetic diseases. Last evaluated: 2024-11-09. Review status: criteria provided, single submitter. Criteria: Ambry Variant Classification Scheme 2023. Collection method: clinical testing. Allele origin: germline.

Labcorp Genetics (formerly Invitae), Labcorp
Classification: Uncertain significance. Last evaluated: 2024-04-25. Review status: criteria provided, single submitter. Criteria: Invitae Variant Classification Sherloc (09022015). Collection method: clinical testing. Allele origin: germline.
Comment: This sequence change replaces proline, which is neutral and non-polar, with arginine, which is basic and polar, at codon 308 of the SMARCA2 protein (p.Pro308Arg). This variant is present in population databases (no rsID available, gnomAD 0.002%). This variant has not been reported in the literature in individuals affected with SMARCA2-related conditions. ClinVar contains an entry for this variant (Variation ID: 2189148). Advanced modeling of protein sequence and biophysical properties (such as structural, functional, and spatial information, amino acid conservation, physicochemical variation, residue mobility, and thermodynamic stability) performed at Invitae indicates that this missense variant is not expected to disrupt SMARCA2 protein function with a negative predictive value of 80%. In summary, the available evidence is currently insufficient to determine the role of this variant in disease. Therefore, it has been classified as a Variant of Uncertain Significance.